The following is an entry in ClinVar:

ClinVar aggregate classification (germline): Pathogenic. Review status: reviewed by expert panel (3 of 4 stars). 11 submissions from 11 submitters: Pathogenic (1). 10 of the submissions do not count toward it. Last evaluated 2025-02-25.

Conditions:
DYSF-related disorder. Also called: DYSF-related condition; DYSF-related disorders.
Autosomal recessive limb-girdle muscular dystrophy. Identifiers: Orphanet 102015, MedGen C2931907, MONDO:0015152.
Autosomal recessive limb-girdle muscular dystrophy type 2B (LGMDR2). Also called: MUSCULAR DYSTROPHY, LIMB-GIRDLE, AUTOSOMAL RECESSIVE 2; Limb-Girdle Muscular Dystrophy Type 2B (LGMD2B); MUSCULAR DYSTROPHY, LIMB-GIRDLE, TYPE 3; Limb-girdle muscular dystrophy, type 2B. Identifiers: Orphanet 268, MedGen C1850889, MONDO:0009676, OMIM 253601.
Miyoshi muscular dystrophy 1 (MMD1). Identifiers: Orphanet 45448, MedGen C4551973, MONDO:0024545, OMIM 254130.
Neuromuscular disease caused by qualitative or quantitative defects of dysferlin. Also called: Qualitative or quantitative defects of dysferlin; Dysferlinopathy. Identifiers: Orphanet 207073, MedGen C2931687, MONDO:0016145.

Allele frequency attached by ClinVar (database versions not stated): gnomAD 0.00001; TOPMed 0.00001; gnomAD exomes 0.00002; ExAC 0.00003.
gnomAD v4.1: 7 of 1,613,632 alleles (0.00043%); highest among the groups gnomAD compares: Admixed American, 0.005%; no homozygotes.

Submissions (11):

ClinGen Limb Girdle Muscular Dystrophy Variant Curation Expert Panel, ClinGen
Classification: Pathogenic for Autosomal recessive limb-girdle muscular dystrophy. Last evaluated: 2025-02-25. Review status: reviewed by expert panel. Criteria: ClinGen LGMD VCEP ACMG Specifications DYSF V1.0.0. Collection method: curation. Allele origin: germline. Inheritance: Autosomal recessive inheritance.
Comment: The NM_003494.4: c.4003G>A variant in DYSF, which is also known as NM_001130987.2: c.4057G>A (p.Glu1353Lys), is a missense variant predicted to cause substitution of glutamic acid by lysine at amino acid 1335, p.(Glu1335Lys). This variant has been reported in at least six patients with dysferlinopathy (PMID: 14678801, 17070050, 21522182, 22194990, 33613410, 36983702), including in a homozygous state in at least one individual without known familial consanguinity (0.5 pt; PMID 17070050, 22194990) and confirmed in trans with a likely pathogenic or pathogenic variant in two individuals (c.1639-6T>A p.(Gly547AlafsTer24), 1 pt, PMID: 36983702; c.2875C>T p.(Arg959Trp), 1 pt, PMID: 14678801) (PM3_Strong). At least one of the patients with a second presumed diagnostic DYSF variant displayed progressive limb girdle muscle weakness and absent dysferlin expression in muscle biopsy or monocytes, which is highly specific for DYSF-related LGMD (PMID: 17070050, 21522182, 22194990, 33613410, 36983702) (PP4_Strong). This variant has also been shown to co-segregate with the LGMD phenotype in one affected family member (PMID: 14678801; PP1). The highest minor allele frequency is 0.0001309 (2/15284 genome alleles) in the Admixed American population of gnomAD v4.1.0, which is greater than the ClinGen LGMD VCEP threshold (≤0.0001) (PM2_Supporting not met). Immunofluorescence and 2-A assays of dysferlin membrane localization in HEK293T cells showed the Glu1335Lys protein did not reach the cell membrane, indicating an impact on protein function (PMID: 35028538) (PS3_Moderate). The computational predictor REVEL gives a score of 0.87, which is above the LGMD VCEP threshold of ≥0.70, evidence that correlates with impact to DYSF function (PP3). In summary, this variant meets the criteria to be classified as Pathogenic for autosomal recessive limb girdle muscular dystrophy based on the ACMG/AMP criteria applied, as specified by the ClinGen LGMD VCEP (LGMD VCEP specifications version 1.0.0; 02/25/2025): PM3_Strong, PP4_Strong, PP1, PS3_Moderate, PP3.

Natera, Inc.
Classification: Pathogenic for Limb-girdle muscular dystrophy type 2B. Last evaluated: 2025-08-15. Review status: criteria provided, single submitter. Criteria: Natera Variant Classification Schema (03/2026). Collection method: clinical testing. Allele origin: germline. Not counted in ClinVar's aggregate classification.
Comment: The c.4003G>A variant in DYSF is a missense variant predicted to cause substitution of glutamic acid to lysine at amino acid 1335. This variant is rare in the general population with a frequency below the threshold expected for the associated phenotype(s). This variant has been observed in one or more individuals affected with the associated recessive disease, as either homozygous or compound heterozygous with a second variant (PMID: 22194990, 21522182, 14678801, 36983702). Given the available evidence, this variant is classified as Pathogenic.

Labcorp Genetics (formerly Invitae), Labcorp
Classification: Pathogenic for Neuromuscular disease caused by qualitative or quantitative defects of dysferlin. Last evaluated: 2025-08-10. Review status: criteria provided, single submitter. Criteria: Invitae Variant Classification Sherloc (09022015). Collection method: clinical testing. Allele origin: germline. Not counted in ClinVar's aggregate classification.
Comment: This sequence change replaces glutamic acid, which is acidic and polar, with lysine, which is basic and polar, at codon 1335 of the DYSF protein (p.Glu1335Lys). This variant is present in population databases (rs758993965, gnomAD 0.003%). This missense change has been observed in individual(s) with limb-girdle muscular dystrophy and/or Miyoshi myopathy (PMID: 14678801, 21522182, 22194990). In at least one individual the data is consistent with being in trans (on the opposite chromosome) from a pathogenic variant. It has also been observed to segregate with disease in related individuals. ClinVar contains an entry for this variant (Variation ID: 655896). An algorithm developed to predict the effect of missense changes on protein structure and function (PolyPhen-2) suggests that this variant is likely to be disruptive. For these reasons, this variant has been classified as Pathogenic.

Women's Health and Genetics/Laboratory Corporation of America, LabCorp
Classification: Pathogenic for Autosomal recessive limb-girdle muscular dystrophy. Last evaluated: 2025-03-25. Review status: criteria provided, single submitter. Criteria: LabCorp Variant Classification Summary - May 2015. Collection method: clinical testing. Allele origin: germline. Not counted in ClinVar's aggregate classification.
Comment: Variant summary: DYSF c.4003G>A (p.Glu1335Lys) results in a conservative amino acid change in the encoded protein sequence. Four of five in-silico tools predict a damaging effect of the variant on protein function. Consensus agreement among computation tools predict no significant impact on normal splicing. However, these predictions have yet to be confirmed by functional studies. The variant allele was found at a frequency of 1.6e-05 in 250212 control chromosomes. c.4003G>A has been reported in the literature in the homozygous and compound heterozygous state multiple individuals affected with Limb-Girdle Muscular Dystrophy and Myoshi myopathy and segregated with disease in at least one family. These data indicate that the variant is very likely to be associated with disease. To our knowledge, no experimental evidence demonstrating an impact on protein function has been reported. The following publications have been ascertained in the context of this evaluation (PMID: 21522182, 14678801, 25987458, 22194990). ClinVar contains an entry for this variant (Variation ID: 655896). Based on the evidence outlined above, the variant was classified as pathogenic.

3billion
Classification: Likely pathogenic for DYSF-related disorder. Last evaluated: 2024-08-15. Review status: criteria provided, single submitter. Criteria: ACMG Guidelines, 2015. Collection method: clinical testing. Allele origin: germline. Affected: yes. Not counted in ClinVar's aggregate classification.
Comment: The variant is observed at an extremely low frequency in the gnomAD v4.0.0 dataset (total allele frequency: <0.001%). Predicted Consequence/Location: Missense variant In silico tool predictions suggest damaging effect of the variant on gene or gene product [REVEL: 0.87 (>=0.6, sensitivity 0.68 and specificity 0.92); 3Cnet: 0.95 (>=0.6, sensitivity 0.72 and precision 0.9)]. The same nucleotide change resulting in the same amino acid change has been previously reported as pathogenic/likely pathogenic with strong evidence (ClinVar ID: VCV000655896 /PMID: 14678801). A different missense change at the same codon (p.Glu1353Gly) has been reported to be associated with DYSF related disorder (PMID: 17994539). Therefore, this variant is classified as Likely pathogenic according to the recommendation of ACMG/AMP guideline.

Baylor Genetics
Classification: Pathogenic for Miyoshi muscular dystrophy 1. Last evaluated: 2023-12-19. Review status: criteria provided, single submitter. Criteria: ACMG Guidelines, 2015. Collection method: clinical testing. Allele origin: unknown. Not counted in ClinVar's aggregate classification.

Laboratory for Molecular Medicine, Mass General Brigham Personalized Medicine
Classification: Likely pathogenic for Neuromuscular disease caused by qualitative or quantitative defects of dysferlin. Last evaluated: 2023-10-17. Review status: criteria provided, single submitter. Criteria: ACMG Guidelines, 2015. Collection method: clinical testing. Allele origin: germline. Inheritance: Autosomal recessive inheritance. Not counted in ClinVar's aggregate classification.
Comment: The p.Glu1353Lys variant in DYSF (also reported as p.Glu1335Lys in the literature) has been reported in the compound heterozygote state with another disease causing variant in DYSF in at least 2 individuals and in the homozygous state in at least 1 individual with limb-girdle muscular dystrophy or Miyoshi myopathy and segregated with disease in 1 affected relative from 1 family. All of these individuals had confirmed absent or reduced expression of dysferlin protein (Cagliani 2003 PMID: 14678801, De Luna 2007 PMID: 17070050, Cacciottolo 2011 PMID: 21522182, Zhang 2020 PMID: 33613410). This variant has also been reported by other clinical laboratories in ClinVar (Variation ID 655896) and has been identified in 0.01% (2/15284) of Latino chromosomes by gnomAD (v.3.1.2). Computational prediction tools and conservation analyses are consistent with pathogenicity. In summary, although additional studies are required to fully establish its clinical significance, this variant meets criteria to be classified as likely pathogenic for autosomal recessive dysferlinopathies including limb-girdle muscular dystrophy and Miyoshi myopathy. ACMG/AMP Criteria applied: PM3_Strong, PM2_Supporting, PP1, PP3, PP4.

Revvity Omics, Revvity
Classification: Likely pathogenic. Last evaluated: 2023-07-17. Review status: criteria provided, single submitter. Criteria: ACMG Guidelines, 2015. Collection method: clinical testing. Allele origin: germline. Not counted in ClinVar's aggregate classification.

Athena Diagnostics
Classification: Likely pathogenic. Last evaluated: 2020-03-20. Review status: criteria provided, single submitter. Criteria: Athena Diagnostics Criteria. Collection method: clinical testing. Allele origin: unknown. Not counted in ClinVar's aggregate classification.
Comment: The frequency of this variant in the general population is consistent with pathogenicity. Found in at least one patient with expected phenotype for this gene. Predicted to have a damaging effect on the protein. In multiple individuals, this variant has been seen with a single recessive pathogenic variant in the same gene, suggesting this variant may also be pathogenic.

Clinical Genetics Service, Universitary Hospital 12 de Octubre
Classification: Likely pathogenic for Autosomal recessive limb-girdle muscular dystrophy type 2B. Review status: criteria provided, single submitter. Criteria: ACMG Guidelines, 2015. Collection method: clinical testing. Allele origin: germline. Affected: yes. Not counted in ClinVar's aggregate classification.

Department of Neurology, Guangzhou First People’s Hospital, School of Medicine, South China University of Technology
Classification: Pathogenic. Last evaluated: 2019-07-01. Review status: no assertion criteria provided. Collection method: reference population. Allele origin: unknown. Affected: yes. Not counted in ClinVar's aggregate classification.

Literature cited by the submitters: PubMed 35028538 (cited by ClinGen Limb Girdle Muscular Dystrophy Variant Curation Expert Panel, ClinGen); PubMed 22194990 (cited by 4 submitters); PubMed 21522182 (cited by 5 submitters); PubMed 14678801 (cited by 6 submitters); PubMed 36983702 (cited by Natera, Inc.); PubMed 25987458 (cited by Women's Health and Genetics/Laboratory Corporation of America, LabCorp); PubMed 17994539 (cited by 3billion and Athena Diagnostics); PubMed 33613410 (cited by Laboratory for Molecular Medicine, Mass General Brigham Personalized Medicine); PubMed 17070050 (cited by Laboratory for Molecular Medicine, Mass General Brigham Personalized Medicine and Athena Diagnostics); PubMed 15469449 (cited by Athena Diagnostics); PubMed 16100712 (cited by Athena Diagnostics); PubMed 27647186 (cited by Department of Neurology, Guangzhou First People’s Hospital, School of Medicine, South China University of Technology).

NM_001130987.2(DYSF):c.4057G>A (p.Glu1353Lys)

Gene: DYSF (dysferlin; plus strand). Cytogenetic location: 2p13.2.
Variant type: single nucleotide variant.
Coding change: c.4057G>A on transcript NM_001130987.2 (MANE Select); coding-DNA position 4057, G replaced by A.
Protein change: p.Glu1353Lys; replaces glutamic acid 1353 with lysine.
Molecular consequence: missense variant.
Genome position (GRCh38, 1-based): chr2:71,611,344, G>A. VCF-style: chr2-71611344-G-A. GRCh37 (hg19) VCF-style: chr2-71838474-G-A.
Other names: NM_001130987.2(DYSF):c.4057G>A; p.Glu1353Lys; c.4006G>A, p.Glu1336Lys (NM_001130455.2, NM_001130983.2); c.3961G>A, p.Glu1321Lys (NM_001130976.2, NM_001130977.2); c.4003G>A, p.Glu1335Lys (NM_001130978.2, NM_003494.4); c.4096G>A, p.Glu1366Lys (NM_001130979.2); c.4054G>A, p.Glu1352Lys (NM_001130980.2, NM_001130981.2); c.4099G>A, p.Glu1367Lys (NM_001130982.2); and 3 more; short protein forms E1322K, E1335K, E1352K, E1321K, E1336K, E1353K, E1366K, E1367K.
Identifiers: ClinVar variation 655896 (VCV000655896.22), dbSNP rs758993965, ClinGen allele CA1706854.